The following is an entry in ClinVar:

ClinVar aggregate classification (germline): Uncertain significance (1 of 4 stars; one submission).

Conditions:
Cardiovascular phenotype. Identifiers: MedGen CN230736.

Allele frequency attached by ClinVar (database versions not stated): ExAC 0.00001; TOPMed 0.00001.
gnomAD v4.1: 33 of 1,614,264 alleles (0.002%); highest among the groups gnomAD compares: Non-Finnish European, 0.0026%; no homozygotes.

Submission:

Ambry Genetics
Classification: Uncertain significance for Cardiovascular phenotype. Last evaluated: 2025-06-20. Review status: criteria provided, single submitter. Criteria: Ambry Variant Classification Scheme 2023. Collection method: clinical testing. Allele origin: germline.
Comment: The p.Q131H variant (also known as c.393G>C), located in coding exon 4 of the ABCG8 gene, results from a G to C substitution at nucleotide position 393. The glutamine at codon 131 is replaced by histidine, an amino acid with highly similar properties. This amino acid position is conserved. In addition, this alteration is predicted to be tolerated by in silico analysis. Since supporting evidence is limited at this time, the clinical significance of this alteration remains unclear.

NM_022437.3(ABCG8):c.393G>C (p.Gln131His)

Gene: ABCG8 (ATP binding cassette subfamily G member 8; plus strand). Cytogenetic location: 2p21.
Variant type: single nucleotide variant.
Coding change: c.393G>C on transcript NM_022437.3 (MANE Select); coding-DNA position 393, G replaced by C.
Protein change: p.Gln131His; replaces glutamine 131 with histidine.
Molecular consequence: missense variant.
Genome position (GRCh38, 1-based): chr2:43,851,654, G>C. VCF-style: chr2-43851654-G-C. GRCh37 (hg19) VCF-style: chr2-44078793-G-C.
Other names: c.393G>C, p.Gln131His (NM_001357321.2); short protein forms Q131H.
Identifiers: ClinVar variation 1736339 (VCV001736339.3), dbSNP rs751291659, ClinGen allele CA1637007.